The following is an entry in ClinVar:

NM_001378969.1(KCND3):c.1307G>A (p.Gly436Asp)

Gene: KCND3 (potassium voltage-gated channel subfamily D member 3; minus strand). Cytogenetic location: 1p13.2.
Variant type: single nucleotide variant.
Coding change: c.1307G>A on transcript NM_001378969.1 (MANE Select); coding-DNA position 1307, G replaced by A.
Protein change: p.Gly436Asp; replaces glycine 436 with aspartic acid.
Molecular consequence: missense variant.
Genome position (GRCh38, 1-based): chr1:111,780,754, C>T on the plus strand (G>A on the coding strand, the complement: KCND3 is on the minus strand). VCF-style: chr1-111780754-C-T. GRCh37 (hg19) VCF-style: chr1-112323376-C-T.
Other names: c.1307G>A, p.Gly436Asp (NM_001378970.1, NM_004980.5, NM_172198.3); short protein forms G436D.
Identifiers: ClinVar variation 4808652 (VCV004808652.1).

ClinVar aggregate classification (germline): Uncertain significance (1 of 4 stars; one submission).

Conditions:
Spinocerebellar ataxia type 19/22 (SCA19). Also called: SPINOCEREBELLAR ATAXIA 19; SPINOCEREBELLAR ATAXIA 22. Identifiers: Orphanet 98772, MedGen C1846367, MONDO:0011819, OMIM 607346.

Submission:

Labcorp Genetics (formerly Invitae), Labcorp
Classification: Uncertain significance for Spinocerebellar ataxia type 19/22. Last evaluated: 2025-08-21. Review status: criteria provided, single submitter. Criteria: Invitae Variant Classification Sherloc (09022015). Collection method: clinical testing. Allele origin: germline.
Comment: This sequence change replaces glycine, which is neutral and non-polar, with aspartic acid, which is acidic and polar, at codon 436 of the KCND3 protein (p.Gly436Asp). This variant is not present in population databases (gnomAD no frequency). This variant has not been reported in the literature in individuals affected with KCND3-related conditions. Invitae Evidence Modeling of protein sequence and biophysical properties (such as structural, functional, and spatial information, amino acid conservation, physicochemical variation, residue mobility, and thermodynamic stability) has been performed for this missense variant. However, the output from this modeling did not meet the statistical confidence thresholds required to predict the impact of this variant on KCND3 protein function. In summary, the available evidence is currently insufficient to determine the role of this variant in disease. Therefore, it has been classified as a Variant of Uncertain Significance.